The following is an entry in ClinVar:

ClinVar aggregate classification (germline): Benign/Likely benign. Review status: criteria provided, multiple submitters, no conflicts (2 of 4 stars). 8 submissions from 8 submitters: Benign (4); Likely benign (3). 1 of the submissions does not count toward it. Last evaluated 2026-02-04.

Conditions:
Inborn genetic diseases. Identifiers: MedGen C0950123, MeSH D030342.
MECOM-related disorder. Also called: MECOM-related condition.

Allele frequency attached by ClinVar (database versions not stated): 1000 Genomes Project 0.00120; ExAC 0.00131; 1000 Genomes Project 30x 0.00141; gnomAD exomes 0.00146 and 0.00197; gnomAD 0.00160 and 0.00172; ESP Exome Variant Server 0.00177; TOPMed 0.00195.
gnomAD v4.1: 3,152 of 1,614,114 alleles (0.2%); highest among the groups gnomAD compares: Middle Eastern, 2.1%; 6 homozygotes.

Submissions (8):

Labcorp Genetics (formerly Invitae), Labcorp
Classification: Benign. Last evaluated: 2026-02-04. Review status: criteria provided, single submitter. Criteria: Invitae Variant Classification Sherloc (09022015). Collection method: clinical testing. Allele origin: germline.

Blueprint Genetics
Classification: Likely benign. Last evaluated: 2024-11-25. Review status: criteria provided, single submitter. Criteria: ACMG Guidelines, 2015. Collection method: clinical testing. Allele origin: germline.

Ambry Genetics
Classification: Likely benign for Inborn genetic diseases. Last evaluated: 2024-10-04. Review status: criteria provided, single submitter. Criteria: Ambry Variant Classification Scheme 2023. Collection method: clinical testing. Allele origin: germline.

Mayo Clinic Laboratories, Mayo Clinic
Classification: Likely benign. Last evaluated: 2024-04-16. Review status: criteria provided, single submitter. Criteria: ACMG Guidelines, 2015. Collection method: clinical testing. Allele origin: germline. Observed: 4 variant alleles.
Comment: BS1, BP4, BP7

CeGaT Center for Human Genetics Tuebingen
Classification: Benign. Last evaluated: 2022-10-01. Review status: criteria provided, single submitter. Criteria: CeGaT Center For Human Genetics Tuebingen Variant Classification Criteria Version 2. Collection method: clinical testing. Allele origin: germline. Affected: yes. Observed: 1 variant allele.
Comment: MECOM: BS1, BS2

Genetic Services Laboratory, University of Chicago
Classification: Benign. Last evaluated: 2020-10-27. Review status: criteria provided, single submitter. Criteria: ACMG Guidelines, 2015. Collection method: clinical testing. Allele origin: germline. Affected: no.

Breakthrough Genomics
Classification: Benign. Review status: criteria provided, single submitter. Criteria: ACMG Guidelines, 2015. Collection method: not provided. Allele origin: germline. Inheritance: Autosomal dominant inheritance. Affected: yes.

PreventionGenetics, part of Exact Sciences
Classification: Likely benign for MECOM-related condition. Last evaluated: 2019-05-23. Review status: no assertion criteria provided. Collection method: clinical testing. Allele origin: germline. Not counted in ClinVar's aggregate classification.
Comment: This variant is classified as likely benign based on ACMG/AMP sequence variant interpretation guidelines (Richards et al. 2015 PMID: 25741868, with internal and published modifications).

NM_004991.4(MECOM):c.1707C>A (p.Pro569=)

Gene: MECOM (MDS1 and EVI1 complex locus; minus strand). Cytogenetic location: 3q26.2.
Variant type: single nucleotide variant.
Coding change: c.1707C>A on transcript NM_004991.4 (MANE Select); coding-DNA position 1707, C replaced by A.
Protein change: p.Pro569=; no amino-acid change (proline 569 retained).
Molecular consequence: synonymous variant. On other transcripts: intron variant (2).
Genome position (GRCh38, 1-based): chr3:169,116,165, G>T on the plus strand (C>A on the coding strand, the complement: MECOM is on the minus strand). VCF-style: chr3-169116165-G-T. GRCh37 (hg19) VCF-style: chr3-168833953-G-T.
Other names: p.Pro569=; c.1707C>A (NM_004991.3); c.1338C>A, p.Pro446= (NM_001105077.4); c.1143C>A, p.Pro381= (NM_001105078.4, NM_001164000.2, NM_001205194.2 and 4 more transcripts); c.1146C>A, p.Pro382= (NM_001163999.2, NM_001366467.2, NM_001366468.2 and 1 more transcripts); c.1707C>A, p.Pro569= (NM_001366466.2); c.1133-398C>A (NM_001366473.2); c.569-398C>A (NM_001366474.2).
Identifiers: ClinVar variation 721960 (VCV000721960.40), dbSNP rs141081950, ClinGen allele CA2696297.